The following is an entry in ClinVar:

NM_006978.3(RNF113A):c.994C>T (p.Pro332Ser)

Gene: RNF113A (ring finger protein 113A; minus strand). Cytogenetic location: Xq24.
Variant type: single nucleotide variant.
Coding change: c.994C>T on transcript NM_006978.3 (MANE Select); coding-DNA position 994, C replaced by T.
Protein change: p.Pro332Ser; replaces proline 332 with serine.
Molecular consequence: missense variant.
Genome position (GRCh38, 1-based): chrX:119,870,620, G>A on the plus strand (C>T on the coding strand, the complement: RNF113A is on the minus strand). VCF-style: chrX-119870620-G-A. GRCh37 (hg19) VCF-style: chrX-119004583-G-A.
Other names: short protein forms P332S.
Identifiers: ClinVar variation 3895782 (VCV003895782.1).

ClinVar aggregate classification (germline): Uncertain significance (1 of 4 stars; one submission).

Submission:

Women's Health and Genetics/Laboratory Corporation of America, LabCorp
Classification: Uncertain significance. Last evaluated: 2025-03-07. Review status: criteria provided, single submitter. Criteria: LabCorp Variant Classification Summary - May 2015. Collection method: clinical testing. Allele origin: germline.
Comment: Variant summary: RNF113A c.994C>T (p.Pro332Ser) results in a non-conservative amino acid change in the encoded protein sequence. Four of five in-silico tools predict a benign effect of the variant on protein function. The variant was absent in 180139 control chromosomes. The available data on variant occurrences in the general population are insufficient to allow any conclusion about variant significance. To our knowledge, no occurrence of c.994C>T in individuals affected with Trichothiodystrophy 5, Nonphotosensitive and no experimental evidence demonstrating its impact on protein function have been reported. No submitters have cited clinical-significance assessments for this variant to ClinVar. Based on the evidence outlined above, the variant was classified as uncertain significance.